The following is an entry in ClinVar:

ClinVar aggregate classification (germline): Uncertain significance (1 of 4 stars; one submission).

Conditions:
Intellectual developmental disorder, X-linked 1. Also called: Intellectual disability, X-linked 1; Atkin Flaitz Patil Smith syndrome; MENTAL RETARDATION, X-LINKED 18; MENTAL RETARDATION, X-LINKED 78. Identifiers: Orphanet 777, MedGen C2931498, MONDO:0010656, OMIM 309530.

gnomAD v4.1: 2 of 1,210,851 alleles (0.00017%); highest among the groups gnomAD compares: Non-Finnish European, 0.00022%; no homozygotes.

Submission:

Diagnostics Services (NGS), CSIR - Centre For Cellular And Molecular Biology
Classification: Uncertain significance for Intellectual developmental disorder, X-linked 1. Last evaluated: 2025-10-30. Review status: criteria provided, single submitter. Criteria: ACMG Guidelines, 2015. Collection method: clinical testing. Allele origin: germline. Observed: 1 variant allele, 1 heterozygote.
Comment: The c.2614G>A variant is not present in publicly available population databases like 1000 Genomes, EVS, gnomAD, Indian Exome Database or our internal database. This variant has neither been published in the literature for IQSEC2-related conditions nor reported to clinical databases like Human Genome Mutation Database (HGMD), ClinVar or OMIM in any affected individuals. In-silico pathogenicity prediction programs like SIFT, Polyphen-2, MutationTaster2021, CADD etc predicted this variant to be likely deleterious however these predictions were not confirmed by published functional studies.

NM_001111125.3(IQSEC2):c.2614G>A (p.Val872Met)

Gene: IQSEC2 (IQ motif and Sec7 domain ArfGEF 2; minus strand). Cytogenetic location: Xp11.22.
Variant type: single nucleotide variant.
Coding change: c.2614G>A on transcript NM_001111125.3 (MANE Select); coding-DNA position 2614, G replaced by A.
Protein change: p.Val872Met; replaces valine 872 with methionine.
Molecular consequence: missense variant.
Genome position (GRCh38, 1-based): chrX:53,247,104, C>T on the plus strand (G>A on the coding strand, the complement: IQSEC2 is on the minus strand). VCF-style: chrX-53247104-C-T. GRCh37 (hg19) VCF-style: chrX-53276286-C-T.
Other names: c.2614G>A, p.Val872Met (NM_001410736.1, NM_001441092.1); c.2116G>A, p.Val706Met (NM_001441093.1); c.1903G>A, p.Val635Met (NM_001441094.1, NM_001441095.1); c.1999G>A, p.Val667Met (NM_015075.2); short protein forms V635M, V667M, V706M, V872M.
Identifiers: ClinVar variation 4533281 (VCV004533281.1).